The following is an entry in ClinVar:

NM_006231.4(POLE):c.409G>C (p.Glu137Gln)

Gene: POLE (DNA polymerase epsilon, catalytic subunit; minus strand). Cytogenetic location: 12q24.33.
Variant type: single nucleotide variant.
Coding change: c.409G>C on transcript NM_006231.4 (MANE Select); coding-DNA position 409, G replaced by C.
Protein change: p.Glu137Gln; replaces glutamic acid 137 with glutamine.
Molecular consequence: missense variant.
Genome position (GRCh38, 1-based): chr12:132,679,968, C>G on the plus strand (G>C on the coding strand, the complement: POLE is on the minus strand). VCF-style: chr12-132679968-C-G. GRCh37 (hg19) VCF-style: chr12-133256554-C-G.
Other names: short protein forms E137Q.
Identifiers: ClinVar variation 2863848 (VCV002863848.3), dbSNP rs2542190335, ClinGen allele CA387368028.

ClinVar aggregate classification (germline): Uncertain significance (1 of 4 stars; one submission).

Submission:

Labcorp Genetics (formerly Invitae), Labcorp
Classification: Uncertain significance. Last evaluated: 2023-05-13. Review status: criteria provided, single submitter. Criteria: Invitae Variant Classification Sherloc (09022015). Collection method: clinical testing. Allele origin: germline.
Comment: This variant is not present in population databases (gnomAD no frequency). This sequence change replaces glutamic acid, which is acidic and polar, with glutamine, which is neutral and polar, at codon 137 of the POLE protein (p.Glu137Gln). In summary, the available evidence is currently insufficient to determine the role of this variant in disease. Therefore, it has been classified as a Variant of Uncertain Significance. Advanced modeling of protein sequence and biophysical properties (such as structural, functional, and spatial information, amino acid conservation, physicochemical variation, residue mobility, and thermodynamic stability) performed at Invitae indicates that this missense variant is not expected to disrupt POLE protein function. This variant has not been reported in the literature in individuals affected with POLE-related conditions.